The following is an entry in ClinVar:

NM_177438.3(DICER1):c.417C>A (p.Asn139Lys)

Gene: DICER1 (dicer 1, ribonuclease III; minus strand). Cytogenetic location: 14q32.13.
Variant type: single nucleotide variant.
Coding change: c.417C>A on transcript NM_177438.3 (MANE Select); coding-DNA position 417, C replaced by A.
Protein change: p.Asn139Lys; replaces asparagine 139 with lysine.
Molecular consequence: missense variant. On other transcripts: 5 prime UTR variant (2), non-coding transcript variant (5), intron variant (6).
Genome position (GRCh38, 1-based): chr14:95,131,530, G>T on the plus strand (C>A on the coding strand, the complement: DICER1 is on the minus strand). VCF-style: chr14-95131530-G-T. GRCh37 (hg19) VCF-style: chr14-95597867-G-T.
Other names: c.417C>A, p.Asn139Lys (NM_001195573.1, NM_001271282.3, NM_001291628.2 and 15 more transcripts); c.135C>A, p.Asn45Lys (NM_001395686.1); c.-42C>A (NM_001395691.1); c.-1152C>A (NM_001395697.1); c.33+985C>A (NM_001395690.1, NM_001395687.1, NM_001395689.1 and 3 more transcripts); short protein forms N45K, N139K.
Identifiers: ClinVar variation 1738472 (VCV001738472.7), dbSNP rs1893947224, ClinGen allele CA390888867.

ClinVar aggregate classification (germline): Uncertain significance. Review status: criteria provided, multiple submitters, no conflicts (2 of 4 stars). 2 submissions from 2 submitters: Uncertain significance (2). Last evaluated 2024-10-24.

Conditions:
DICER1-related tumor predisposition. Also called: DICER1 syndrome; DICER1-related pleuropulmonary blastoma cancer predisposition syndrome. Identifiers: Orphanet 284343, MedGen C3839822, MONDO:0100216.
Hereditary cancer-predisposing syndrome. Also called: Neoplastic Syndromes, Hereditary; Tumor predisposition; Hereditary Cancer Syndrome; Hereditary neoplastic syndrome. Identifiers: Orphanet 140162, MedGen C0027672, MeSH D009386, MONDO:0015356.

Submissions (2):

Labcorp Genetics (formerly Invitae), Labcorp
Classification: Uncertain significance for DICER1-related tumor predisposition. Last evaluated: 2024-10-24. Review status: criteria provided, single submitter. Criteria: Invitae Variant Classification Sherloc (09022015). Collection method: clinical testing. Allele origin: germline.
Comment: This sequence change replaces asparagine, which is neutral and polar, with lysine, which is basic and polar, at codon 139 of the DICER1 protein (p.Asn139Lys). This variant is not present in population databases (gnomAD no frequency). This variant has not been reported in the literature in individuals affected with DICER1-related conditions. ClinVar contains an entry for this variant (Variation ID: 1738472). Invitae Evidence Modeling of protein sequence and biophysical properties (such as structural, functional, and spatial information, amino acid conservation, physicochemical variation, residue mobility, and thermodynamic stability) indicates that this missense variant is not expected to disrupt DICER1 protein function with a negative predictive value of 95%. In summary, the available evidence is currently insufficient to determine the role of this variant in disease. Therefore, it has been classified as a Variant of Uncertain Significance.

Ambry Genetics
Classification: Uncertain significance for Hereditary cancer-predisposing syndrome. Last evaluated: 2022-03-24. Review status: criteria provided, single submitter. Criteria: Ambry Variant Classification Scheme 2023. Collection method: clinical testing. Allele origin: germline.
Comment: The p.N139K variant (also known as c.417C>A), located in coding exon 3 of the DICER1 gene, results from a C to A substitution at nucleotide position 417. The asparagine at codon 139 is replaced by lysine, an amino acid with similar properties. This amino acid position is conserved. In addition, this alteration is predicted to be tolerated by in silico analysis. Since supporting evidence is limited at this time, the clinical significance of this alteration remains unclear.